The following is an entry in ClinVar:

NM_000264.5(PTCH1):c.2513A>C (p.Lys838Thr)

Genes: PTCH1 (patched 1; minus strand), LOC100507346 (uncharacterized LOC100507346; plus strand). Cytogenetic location: 9q22.32.
Variant type: single nucleotide variant.
Coding change: c.2513A>C on transcript NM_000264.5 (MANE Select); coding-DNA position 2513, A replaced by C.
Protein change: p.Lys838Thr; replaces lysine 838 with threonine.
Molecular consequence: missense variant. On other transcripts: non-coding transcript variant (2).
Genome position (GRCh38, 1-based): chr9:95,467,163, T>G on the plus strand (A>C on the coding strand, the complement: PTCH1 is on the minus strand). VCF-style: chr9-95467163-T-G. GRCh37 (hg19) VCF-style: chr9-98229445-T-G.
Other names: c.2315A>C, p.Lys772Thr (NM_001083602.3); c.2510A>C, p.Lys837Thr (NM_001083603.3); c.2060A>C, p.Lys687Thr (NM_001083604.3, NM_001083605.3, NM_001083606.3 and 1 more transcripts); c.2357A>C, p.Lys786Thr (NM_001354918.2); c.2513A>C (NM_000264.4); short protein forms K786T, K838T, K687T, K772T, K837T.
Identifiers: ClinVar variation 642884 (VCV000642884.16), dbSNP rs1220749812, ClinGen allele CA374113854.

ClinVar aggregate classification (germline): Conflicting classifications of pathogenicity. Review status: criteria provided, conflicting classifications (1 of 4 stars). 4 submissions from 4 submitters: Uncertain significance (3); Likely benign (1). Last evaluated 2025-12-03.

Conditions:
Basal cell carcinoma, susceptibility to, 1. Also called: BCC1. Identifiers: MedGen C2751544, MONDO:0011556, OMIM 605462.
Hereditary cancer-predisposing syndrome. Also called: Neoplastic Syndromes, Hereditary; Hereditary Cancer Syndrome; Hereditary neoplastic syndrome; Tumor predisposition. Identifiers: Orphanet 140162, MedGen C0027672, MeSH D009386, MONDO:0015356.
Gorlin syndrome. Also called: Basal cell nevus syndrome; Nevoid Basal Cell Carcinoma Syndrome. Identifiers: Orphanet 377, MedGen C0004779, MONDO:0007187.

Allele frequency attached by ClinVar (database versions not stated): gnomAD exomes below 0.00001; gnomAD 0.00001; TOPMed 0.00001.
gnomAD v4.1: 2 of 1,614,138 alleles (0.00012%); highest among the groups gnomAD compares: Admixed American, 0.0017%; no homozygotes.

Submissions (4):

Labcorp Genetics (formerly Invitae), Labcorp
Classification: Likely benign for Gorlin syndrome. Last evaluated: 2025-12-03. Review status: criteria provided, single submitter. Criteria: Invitae Variant Classification Sherloc (09022015). Collection method: clinical testing. Allele origin: germline.

Ambry Genetics
Classification: Uncertain significance for Hereditary cancer-predisposing syndrome. Last evaluated: 2025-10-11. Review status: criteria provided, single submitter. Criteria: Ambry Variant Classification Scheme 2023. Collection method: clinical testing. Allele origin: germline.
Comment: The p.K838T variant (also known as c.2513A>C), located in coding exon 15 of the PTCH1 gene, results from an A to C substitution at nucleotide position 2513. The lysine at codon 838 is replaced by threonine, an amino acid with similar properties. This amino acid position is not well conserved in available vertebrate species. In addition, this alteration is predicted to be tolerated by in silico analysis. Since supporting evidence is limited at this time, the clinical significance of this alteration remains unclear.

Quest Diagnostics Nichols Institute San Juan Capistrano
Classification: Uncertain significance. Last evaluated: 2025-06-26. Review status: criteria provided, single submitter. Criteria: Quest Diagnostics criteria. Collection method: clinical testing. Allele origin: unknown.
Comment: The PTCH1 c.2513A>C (p.Lys838Thr) variant has not been reported in individuals with PTCH1-related conditions in the published literature. The frequency of this variant in the general population (Genome Aggregation Database) is uninformative in the assessment of its pathogenicity. Analysis of this variant using bioinformatics tools for the prediction of the effect of amino acid changes on protein structure and function yielded predictions that this variant is benign. Based on the available information, we are unable to determine the clinical significance of this variant.

Baylor Genetics
Classification: Uncertain significance for Basal cell carcinoma, susceptibility to, 1. Last evaluated: 2024-03-13. Review status: criteria provided, single submitter. Criteria: ACMG Guidelines, 2015. Collection method: clinical testing. Allele origin: unknown.